The following is an entry in ClinVar:

NM_000554.6(CRX):c.*2137G>A

Gene: CRX (cone-rod homeobox; plus strand). Cytogenetic location: 19q13.33.
Variant type: single nucleotide variant.
Coding change: c.*2137G>A on transcript NM_000554.6 (MANE Select); 2137 bases downstream of the stop codon, G replaced by A.
Molecular consequence: 3 prime UTR variant.
Genome position (GRCh38, 1-based): chr19:47,842,104, G>A. VCF-style: chr19-47842104-G-A. GRCh37 (hg19) VCF-style: chr19-48345361-G-A.
Identifiers: ClinVar variation 329755 (VCV000329755.5), dbSNP rs181823708, ClinGen allele CA10652641.
Genomic context (GRCh38, chr19:47,842,104, plus strand): 5'-ACAATATATGCTTACGAGTTGGTACACACCGTCAGCAGCAGCCAGGGTCAGGAGAAAGGC[G>A]AGATGTGAAGAGAGGCCGGGAGGTATCAGATGACGTTTCCAGCACTAGACCAGAAGAGGT-3'

ClinVar aggregate classification (germline): Conflicting classifications of pathogenicity. Review status: criteria provided, conflicting classifications (1 of 4 stars). 3 submissions from 1 submitter: Uncertain significance (1); Benign (1); Likely benign (1). Last evaluated 2018-01-13.

Conditions:
Cone-rod dystrophy 2 (CORD2). Also called: CONE-ROD RETINAL DYSTROPHY; Cone-rod retinal dystrophy 2. Identifiers: Orphanet 1872, MedGen C3489532, MONDO:0007362, OMIM 120970.
Leber congenital amaurosis 7 (LCA7). Identifiers: Orphanet 65, MedGen C3151192, MONDO:0013449, OMIM 613829.
Retinitis pigmentosa (RP). Identifiers: Orphanet 791, MedGen C0035334, MeSH D012174, MONDO:0019200, OMIM 268000. Inheritance: Autosomal dominant, autosomal recessive and X linked inheritance.

Allele frequency attached by ClinVar (database versions not stated): 1000 Genomes Project 0.00180; TOPMed 0.00191; 1000 Genomes Project 30x 0.00219; gnomAD 0.00327 and 0.00337; gnomAD exomes 0.00610.
gnomAD v4.1: 502 of 152,838 alleles (0.33%); highest among the groups gnomAD compares: Non-Finnish European, 0.34%; 2 homozygotes.

Submissions (3):

Illumina Laboratory Services, Illumina
Classification: Uncertain significance for Leber congenital amaurosis 7. Last evaluated: 2018-01-13. Review status: criteria provided, single submitter. Criteria: ICSL Variant Classification Criteria 13 December 2019. Collection method: clinical testing. Allele origin: germline.

Illumina Laboratory Services, Illumina
Classification: Likely benign for Retinitis pigmentosa. Last evaluated: 2018-01-13. Review status: criteria provided, single submitter. Criteria: ICSL Variant Classification Criteria 13 December 2019. Collection method: clinical testing. Allele origin: germline.
Comment: This variant was observed in the ICSL laboratory as part of a predisposition screen in an ostensibly healthy population. It had not been previously curated by ICSL or reported in the Human Gene Mutation Database (HGMD: prior to June 1st, 2018), and was therefore a candidate for classification through an automated scoring system. Utilizing variant allele frequency, disease prevalence and penetrance estimates, and inheritance mode, an automated score was calculated to assess if this variant is too frequent to cause the disease. Based on the score and internal cut-off values, a variant classified as likely benign is not then subjected to further curation. The score for this variant resulted in a classification of likely benign for this disease.

Illumina Laboratory Services, Illumina
Classification: Benign for Cone-rod dystrophy 2. Last evaluated: 2018-01-13. Review status: criteria provided, single submitter. Criteria: ICSL Variant Classification Criteria 13 December 2019. Collection method: clinical testing. Allele origin: germline.
Comment: This variant was observed in the ICSL laboratory as part of a predisposition screen in an ostensibly healthy population. It had not been previously curated by ICSL or reported in the Human Gene Mutation Database (HGMD: prior to June 1st, 2018), and was therefore a candidate for classification through an automated scoring system. Utilizing variant allele frequency, disease prevalence and penetrance estimates, and inheritance mode, an automated score was calculated to assess if this variant is too frequent to cause the disease. Based on the score and internal cut-off values, a variant classified as benign is not then subjected to further curation. The score for this variant resulted in a classification of benign for this disease.